The following is an entry in ClinVar:

NM_000138.5(FBN1):c.6681A>C (p.Ser2227=)

Gene: FBN1 (fibrillin 1; minus strand). Cytogenetic location: 15q21.1.
Variant type: single nucleotide variant.
Coding change: c.6681A>C on transcript NM_000138.5 (MANE Select); coding-DNA position 6681, A replaced by C.
Protein change: p.Ser2227=; no amino-acid change (serine 2227 retained).
Molecular consequence: synonymous variant.
Genome position (GRCh38, 1-based): chr15:48,432,924, T>G on the plus strand (A>C on the coding strand, the complement: FBN1 is on the minus strand). VCF-style: chr15-48432924-T-G. GRCh37 (hg19) VCF-style: chr15-48725121-T-G.
Other names: p.S2227S:TCA>TCC; p.Ser2227=.
Identifiers: ClinVar variation 42408 (VCV000042408.78), dbSNP rs363824, ClinGen allele CA016640.

ClinVar aggregate classification (germline): Conflicting classifications of pathogenicity. Review status: criteria provided, conflicting classifications (1 of 4 stars). 24 submissions from 18 submitters: Uncertain significance (1); Benign (12); Likely benign (9). 2 of the submissions do not count toward it. Last evaluated 2026-09-01.

Conditions:
Geleophysic dysplasia. Identifiers: Orphanet 2623, MedGen C3489726, MONDO:0000127.
Weill-Marchesani syndrome. Also called: WM Syndrome; Mesodermal dysmorphodystrophy congenital. Identifiers: Orphanet 3449, MedGen C0265313, MONDO:0018096.
Familial thoracic aortic aneurysm and aortic dissection (TAAD). Also called: Thoracic aortic aneurysms and dissections. Identifiers: Orphanet 91387, MedGen C4707243, MONDO:0019625.
Marfan syndrome (MFS). Also called: Marfan syndrome, classic; FBN1-Related Marfan Syndrome; Marfan syndrome type 1; Marfan's syndrome; MARFAN SYNDROME, TYPE I. Identifiers: Orphanet 284963, Orphanet 558, MedGen C0024796, MONDO:0007947, OMIM 154700.
Acromicric dysplasia (ACMICD). Also called: Acromicric skeletal dysplasia. Identifiers: Orphanet 969, MedGen C0265287, MONDO:0007055, OMIM 102370.
Stiff skin syndrome (SSKS). Identifiers: Orphanet 2833, MedGen C1861456, MONDO:0008492, OMIM 184900.
Ectopia lentis 1, isolated, autosomal dominant (ECTOL1). Identifiers: Orphanet 1885, MedGen C3541518, MONDO:0007514, OMIM 129600.

Allele frequency attached by ClinVar (database versions not stated): 1000 Genomes Project 30x 0.00062; ESP Exome Variant Server 0.00100; gnomAD exomes 0.00106; gnomAD 0.00112 and 0.00109; ExAC 0.00112; 1000 Genomes Project 0.00080; TOPMed 0.00103.
gnomAD v4.1: 1,440 of 1,613,764 alleles (0.089%); highest among the groups gnomAD compares: Middle Eastern, 1.9%; 6 homozygotes.

Submissions (24):

CeGaT Center for Human Genetics Tuebingen
Classification: Likely benign. Last evaluated: 2026-09-01. Review status: criteria provided, single submitter. Criteria: CeGaT Center For Human Genetics Tuebingen Variant Classification Criteria Version 2. Collection method: clinical testing. Allele origin: germline. Affected: yes. Observed: 54 variant alleles.
Comment: FBN1: BP4, BP7, BS1

Labcorp Genetics (formerly Invitae), Labcorp
Classification: Benign for Marfan syndrome; Familial thoracic aortic aneurysm and aortic dissection. Last evaluated: 2026-02-03. Review status: criteria provided, single submitter. Criteria: Invitae Variant Classification Sherloc (09022015). Collection method: clinical testing. Allele origin: germline.

Mayo Clinic Laboratories, Mayo Clinic
Classification: Likely benign. Last evaluated: 2025-10-16. Review status: criteria provided, single submitter. Criteria: ACMG Guidelines, 2015. Collection method: clinical testing. Allele origin: germline. Observed: 8 variant alleles.
Comment: BS1, BP4, BP7

ARUP Laboratories, Molecular Genetics and Genomics, ARUP Laboratories
Classification: Benign. Last evaluated: 2025-05-01. Review status: criteria provided, single submitter. Criteria: ARUP Molecular Germline Variant Investigation Process 2024. Collection method: clinical testing. Allele origin: germline.

Molecular Diagnostic Laboratory for Inherited Cardiovascular Disease, Montreal Heart Institute
Classification: Benign. Last evaluated: 2025-04-09. Review status: criteria provided, single submitter. Criteria: ACMG Guidelines, 2015. Collection method: clinical testing. Allele origin: germline. Affected: no.

Blueprint Genetics
Classification: Likely benign. Last evaluated: 2024-11-27. Review status: criteria provided, single submitter. Criteria: ACMG Guidelines, 2015. Collection method: clinical testing. Allele origin: germline.

Center for Human Genetics, Inc
Classification: Likely benign for Marfan syndrome. Last evaluated: 2018-06-01. Review status: criteria provided, single submitter. Criteria: ACMG Guidelines, 2015. Collection method: clinical testing. Allele origin: germline. Affected: yes.

Color Diagnostics, LLC DBA Color Health
Classification: Benign for Familial thoracic aortic aneurysm and aortic dissection. Last evaluated: 2018-03-08. Review status: criteria provided, single submitter. Criteria: ACMG Guidelines, 2015. Collection method: clinical testing. Allele origin: germline.

Illumina Laboratory Services, Illumina
Classification: Benign for Weill-Marchesani syndrome. Last evaluated: 2018-01-13. Review status: criteria provided, single submitter. Criteria: ICSL Variant Classification Criteria 13 December 2019. Collection method: clinical testing. Allele origin: germline.
Comment: This variant was observed in the ICSL laboratory as part of a predisposition screen in an ostensibly healthy population. It had not been previously curated by ICSL or reported in the Human Gene Mutation Database (HGMD: prior to June 1st, 2018), and was therefore a candidate for classification through an automated scoring system. Utilizing variant allele frequency, disease prevalence and penetrance estimates, and inheritance mode, an automated score was calculated to assess if this variant is too frequent to cause the disease. Based on the score and internal cut-off values, a variant classified as benign is not then subjected to further curation. The score for this variant resulted in a classification of benign for this disease.

Illumina Laboratory Services, Illumina
Classification: Benign for Geleophysic dysplasia. Last evaluated: 2018-01-13. Review status: criteria provided, single submitter. Criteria: ICSL Variant Classification Criteria 13 December 2019. Collection method: clinical testing. Allele origin: germline.
Comment: the same text as in the submission from Illumina Laboratory Services, Illumina above.

Illumina Laboratory Services, Illumina
Classification: Benign for Ectopia lentis 1, isolated, autosomal dominant. Last evaluated: 2018-01-13. Review status: criteria provided, single submitter. Criteria: ICSL Variant Classification Criteria 13 December 2019. Collection method: clinical testing. Allele origin: germline.
Comment: the same text as in the submission from Illumina Laboratory Services, Illumina above.

Illumina Laboratory Services, Illumina
Classification: Benign for Stiff skin syndrome. Last evaluated: 2018-01-13. Review status: criteria provided, single submitter. Criteria: ICSL Variant Classification Criteria 13 December 2019. Collection method: clinical testing. Allele origin: germline.
Comment: the same text as in the submission from Illumina Laboratory Services, Illumina above.

Illumina Laboratory Services, Illumina
Classification: Likely benign for Marfan syndrome. Last evaluated: 2018-01-13. Review status: criteria provided, single submitter. Criteria: ICSL Variant Classification Criteria 13 December 2019. Collection method: clinical testing. Allele origin: germline.
Comment: This variant was observed in the ICSL laboratory as part of a predisposition screen in an ostensibly healthy population. It had not been previously curated by ICSL or reported in the Human Gene Mutation Database (HGMD: prior to June 1st, 2018), and was therefore a candidate for classification through an automated scoring system. Utilizing variant allele frequency, disease prevalence and penetrance estimates, and inheritance mode, an automated score was calculated to assess if this variant is too frequent to cause the disease. Based on the score and internal cut-off values, a variant classified as likely benign is not then subjected to further curation. The score for this variant resulted in a classification of likely benign for this disease.

Illumina Laboratory Services, Illumina
Classification: Uncertain significance for Familial thoracic aortic aneurysm and aortic dissection. Last evaluated: 2018-01-13. Review status: criteria provided, single submitter. Criteria: ICSL Variant Classification Criteria 13 December 2019. Collection method: clinical testing. Allele origin: germline.

Illumina Laboratory Services, Illumina
Classification: Benign for Acromicric dysplasia. Last evaluated: 2018-01-13. Review status: criteria provided, single submitter. Criteria: ICSL Variant Classification Criteria 13 December 2019. Collection method: clinical testing. Allele origin: germline.
Comment: the same text as in the submission from Illumina Laboratory Services, Illumina above.

Genetic Services Laboratory, University of Chicago
Classification: Benign. Last evaluated: 2017-11-15. Review status: criteria provided, single submitter. Criteria: ACMG Guidelines, 2015. Collection method: clinical testing. Allele origin: germline. Affected: no.

Eurofins Ntd Llc (ga)
Classification: Likely benign. Last evaluated: 2016-07-07. Review status: criteria provided, single submitter. Criteria: EGL Classification Definitions 2015. Collection method: clinical testing. Allele origin: germline. Observed: 1 variant allele, 1 heterozygote.

CHEO Genetics Diagnostic Laboratory, Children's Hospital of Eastern Ontario
Classification: Likely benign for Familial thoracic aortic aneurysm and aortic dissection. Last evaluated: 2016-05-03. Review status: criteria provided, single submitter. Criteria: ACMG Guidelines, 2015. Collection method: clinical testing. Allele origin: germline. Study: Canadian Open Genetics Repository.

Ambry Genetics
Classification: Likely benign for Familial thoracic aortic aneurysm and aortic dissection. Last evaluated: 2015-07-20. Review status: criteria provided, single submitter. Criteria: Ambry Variant Classification Scheme 2023. Collection method: clinical testing. Allele origin: germline.

GeneDx
Classification: Benign. Last evaluated: 2013-09-20. Review status: criteria provided, single submitter. Criteria: GeneDx Variant Classification (06012015). Collection method: clinical testing. Allele origin: germline. Affected: yes.
Comment: This variant is considered likely benign or benign based on one or more of the following criteria: it is a conservative change, it occurs at a poorly conserved position in the protein, it is predicted to be benign by multiple in silico algorithms, and/or has population frequency not consistent with disease.

Laboratory for Molecular Medicine, Mass General Brigham Personalized Medicine
Classification: Benign. Last evaluated: 2009-10-26. Review status: criteria provided, single submitter. Criteria: LMM Criteria. Collection method: clinical testing. Allele origin: germline. Observed: 4 variant alleles.

PreventionGenetics, part of Exact Sciences
Classification: Likely benign. Review status: criteria provided, single submitter. Criteria: ACMG Guidelines, 2015. Collection method: clinical testing. Allele origin: germline.

Clinical Genetics DNA and cytogenetics Diagnostics Lab, Erasmus MC, Erasmus Medical Center
Classification: Likely benign. Review status: no assertion criteria provided. Collection method: clinical testing. Allele origin: germline. Affected: yes. Study: VKGL Data-share Consensus. Not counted in ClinVar's aggregate classification.

Genome Diagnostics Laboratory, Amsterdam University Medical Center
Classification: Benign. Review status: no assertion criteria provided. Collection method: clinical testing. Allele origin: germline. Affected: yes. Study: VKGL Data-share Consensus. Not counted in ClinVar's aggregate classification.